The following is an entry in ClinVar:

NM_024642.5(GALNT12):c.1678G>C (p.Val560Leu)

Gene: GALNT12 (polypeptide N-acetylgalactosaminyltransferase 12; plus strand). Cytogenetic location: 9q22.33.
Variant type: single nucleotide variant.
Coding change: c.1678G>C on transcript NM_024642.5 (MANE Select); coding-DNA position 1678, G replaced by C.
Protein change: p.Val560Leu; replaces valine 560 with leucine.
Molecular consequence: missense variant.
Genome position (GRCh38, 1-based): chr9:98,849,024, G>C. VCF-style: chr9-98849024-G-C. GRCh37 (hg19) VCF-style: chr9-101611306-G-C.
Other names: short protein forms V560L.
Identifiers: ClinVar variation 4670633 (VCV004670633.1).

ClinVar aggregate classification (germline): Uncertain significance (1 of 4 stars; one submission).

Submission:

Ambry Genetics
Classification: Uncertain significance. Last evaluated: 2025-11-27. Review status: criteria provided, single submitter. Criteria: Ambry Variant Classification Scheme 2023. Collection method: clinical testing. Allele origin: germline.
Comment: The p.V560L variant (also known as c.1678G>C), located in coding exon 10 of the GALNT12 gene, results from a G to C substitution at nucleotide position 1678. The valine at codon 560 is replaced by leucine, an amino acid with highly similar properties. This amino acid position is conserved. In addition, this alteration is predicted to be tolerated by in silico analysis. Based on the available evidence, the clinical significance of this variant remains unclear.